The following is an entry in ClinVar:

ClinVar aggregate classification (germline): Benign/Likely benign. Review status: criteria provided, multiple submitters, no conflicts (2 of 4 stars). 15 submissions from 15 submitters: Benign (3); Likely benign (11). 1 of the submissions does not count toward it. Last evaluated 2026-06-07.

Conditions:
AXIN2-related disorder.
Hereditary cancer-predisposing syndrome. Also called: Tumor predisposition; Hereditary Cancer Syndrome; Neoplastic Syndromes, Hereditary; Hereditary neoplastic syndrome. Identifiers: Orphanet 140162, MedGen C0027672, MeSH D009386, MONDO:0015356.
Oligodontia-cancer predisposition syndrome. Also called: TOOTH AGENESIS-COLORECTAL CANCER SYNDROME. Identifiers: Orphanet 300576, MedGen C1837750, MONDO:0012075, OMIM 608615. Disease mechanism: loss of function.

Allele frequency attached by ClinVar (database versions not stated): gnomAD exomes 0.00002 and 0.00004; TOPMed 0.00003; gnomAD 0.00004 and 0.00005; ExAC 0.00005; ESP Exome Variant Server 0.00008.

Submissions (15):

PreventionGenetics, part of Exact Sciences
Classification: Likely benign for AXIN2-related condition. Last evaluated: 2026-06-07. Review status: criteria provided, single submitter. Criteria: ACMG Guidelines, 2015. Collection method: clinical testing. Allele origin: germline.
Comment: This variant is classified as likely benign based on ACMG/AMP sequence variant interpretation guidelines (Richards et al. 2015 PMID: 25741868, with internal and published modifications).

Labcorp Genetics (formerly Invitae), Labcorp
Classification: Likely benign for Oligodontia-cancer predisposition syndrome. Last evaluated: 2026-01-07. Review status: criteria provided, single submitter. Criteria: Invitae Variant Classification Sherloc (09022015). Collection method: clinical testing. Allele origin: germline.

Laboratory of Genetics, Children's Clinical University Hospital Latvia
Classification: Likely benign. Last evaluated: 2025-02-16. Review status: criteria provided, single submitter. Criteria: ACMG Guidelines, 2015. Collection method: clinical testing. Allele origin: germline. Affected: yes.

KCCC/NGS Laboratory, Kuwait Cancer Control Center
Classification: Benign for Oligodontia-cancer predisposition syndrome. Last evaluated: 2025-02-01. Review status: criteria provided, single submitter. Criteria: ACMG Guidelines, 2015. Collection method: clinical testing. Allele origin: germline. Affected: no.

Department of Pathology and Laboratory Medicine, Sinai Health System
Classification: Likely benign for oligodontia-cancer predisposition syndrome. Last evaluated: 2025-01-13. Review status: criteria provided, single submitter. Criteria: ACMG Guidelines, 2015. Collection method: clinical testing. Allele origin: germline.

Blueprint Genetics
Classification: Likely benign. Last evaluated: 2024-10-28. Review status: criteria provided, single submitter. Criteria: ACMG Guidelines, 2015. Collection method: clinical testing. Allele origin: germline.

Myriad Genetics, Inc.
Classification: Benign for Oligodontia-cancer predisposition syndrome. Last evaluated: 2024-07-09. Review status: criteria provided, single submitter. Criteria: Myriad Autosomal Dominant, Autosomal Recessive and X-Linked Classification Criteria (2023). Collection method: clinical testing. Allele origin: unknown.
Comment: This variant is considered benign. This variant is a silent/synonymous amino acid change and it is not expected to impact splicing.

Quest Diagnostics Nichols Institute San Juan Capistrano
Classification: Likely benign. Last evaluated: 2022-10-11. Review status: criteria provided, single submitter. Criteria: Quest Diagnostics criteria. Collection method: clinical testing. Allele origin: unknown.
Comment: To the best of our knowledge, the variant has not been reported in the published literature. The frequency of this variant in the general population, 0.000004 (1/247778 chromosomes), is uninformative in assessment of its pathogenicity. Analysis of this variant using bioinformatics tools for the prediction of the effect of amino acid changes on protein structure and function yielded predictions that this variant is benign. Based on the available information, we are unable to determine the clinical significance of this variant.

CeGaT Center for Human Genetics Tuebingen
Classification: Likely benign. Last evaluated: 2022-07-01. Review status: criteria provided, single submitter. Criteria: CeGaT Center For Human Genetics Tuebingen Variant Classification Criteria Version 2. Collection method: clinical testing. Allele origin: germline. Affected: yes. Observed: 1 variant allele.
Comment: AXIN2: BP4, BP7

Sema4
Classification: Likely benign for Hereditary cancer-predisposing syndrome. Last evaluated: 2021-04-04. Review status: criteria provided, single submitter. Criteria: Sema4 Curation Guidelines. Collection method: curation. Allele origin: germline.

ARUP Laboratories, Molecular Genetics and Genomics, ARUP Laboratories
Classification: Likely benign. Last evaluated: 2021-03-10. Review status: criteria provided, single submitter. Criteria: ARUP Molecular Germline Variant Investigation Process 2021. Collection method: clinical testing. Allele origin: germline.

GeneDx
Classification: Likely benign. Last evaluated: 2019-10-18. Review status: criteria provided, single submitter. Criteria: GeneDx Variant Classification Process June 2021. Collection method: clinical testing. Allele origin: germline. Affected: yes.

Ambry Genetics
Classification: Likely benign for Hereditary cancer-predisposing syndrome. Last evaluated: 2018-10-06. Review status: criteria provided, single submitter. Criteria: Ambry Variant Classification Scheme 2023. Collection method: clinical testing. Allele origin: germline.

Illumina Laboratory Services, Illumina
Classification: Benign for Oligodontia-cancer predisposition syndrome. Last evaluated: 2017-05-21. Review status: criteria provided, single submitter. Criteria: ICSL Variant Classification Criteria 13 December 2019. Collection method: clinical testing. Allele origin: germline.
Comment: This variant was observed as part of a predisposition screen in an ostensibly healthy population. A literature search was performed for the gene, cDNA change, and amino acid change (where applicable). No publications were found based on this search. Allele frequency data from public databases was too high to be consistent with this variant causing disease. Therefore, this variant is classified as benign.

Mayo Clinic Laboratories, Mayo Clinic
Classification: Likely benign. Review status: no assertion criteria provided. Collection method: clinical testing. Allele origin: unknown. Not counted in ClinVar's aggregate classification.

NM_004655.4(AXIN2):c.2004G>A (p.Gly668=)

Gene: AXIN2 (axin 2; minus strand). Cytogenetic location: 17q24.1.
Variant type: single nucleotide variant.
Coding change: c.2004G>A on transcript NM_004655.4 (MANE Select); coding-DNA position 2004, G replaced by A.
Protein change: p.Gly668=; no amino-acid change (glycine 668 retained).
Molecular consequence: synonymous variant.
Genome position (GRCh38, 1-based): chr17:65,536,457, C>T on the plus strand (G>A on the coding strand, the complement: AXIN2 is on the minus strand). VCF-style: chr17-65536457-C-T. GRCh37 (hg19) VCF-style: chr17-63532575-C-T.
Other names: c.2004G>A (LRG_296t1); c.1809G>A, p.Gly603= (NM_001363813.1).
Identifiers: ClinVar variation 240005 (VCV000240005.57), dbSNP rs144092307, ClinGen allele CA8718436.